The following is an entry in ClinVar:

ClinVar aggregate classification (germline): Uncertain significance (1 of 4 stars; one submission).

Conditions:
Gastrointestinal stromal tumor. Also called: Gastrointestinal stromal tumor, somatic; Gastrointestinal stroma tumor. Identifiers: Orphanet 44890, MedGen C0238198, MeSH D046152, MONDO:0011719, OMIM 606764, HP:0100723.

gnomAD v4.1: 2 of 1,613,974 alleles (0.00012%); highest among the groups gnomAD compares: East Asian, 0.0045%; no homozygotes.

Submission:

Labcorp Genetics (formerly Invitae), Labcorp
Classification: Uncertain significance for Gastrointestinal stromal tumor. Last evaluated: 2025-03-19. Review status: criteria provided, single submitter. Criteria: Invitae Variant Classification Sherloc (09022015). Collection method: clinical testing. Allele origin: germline.
Comment: This sequence change replaces isoleucine, which is neutral and non-polar, with valine, which is neutral and non-polar, at codon 417 of the PDGFRA protein (p.Ile417Val). This variant is not present in population databases (gnomAD no frequency). This variant has not been reported in the literature in individuals affected with PDGFRA-related conditions. An algorithm developed to predict the effect of missense changes on protein structure and function (PolyPhen-2) suggests that this variant is likely to be tolerated. In summary, the available evidence is currently insufficient to determine the role of this variant in disease. Therefore, it has been classified as a Variant of Uncertain Significance.

NM_006206.6(PDGFRA):c.1249A>G (p.Ile417Val)

Gene: PDGFRA (platelet derived growth factor receptor alpha; plus strand). Cytogenetic location: 4q12.
Variant type: single nucleotide variant.
Coding change: c.1249A>G on transcript NM_006206.6 (MANE Select); coding-DNA position 1249, A replaced by G.
Protein change: p.Ile417Val; replaces isoleucine 417 with valine.
Molecular consequence: missense variant.
Genome position (GRCh38, 1-based): chr4:54,272,405, A>G. VCF-style: chr4-54272405-A-G. GRCh37 (hg19) VCF-style: chr4-55138572-A-G.
Other names: c.1249A>G, p.Ile417Val (NM_001347827.2, NM_001347829.2); c.1324A>G, p.Ile442Val (NM_001347828.2); c.1288A>G, p.Ile430Val (NM_001347830.2); short protein forms I430V, I417V, I442V.
Identifiers: ClinVar variation 3631492 (VCV003631492.2).